The following is an entry in ClinVar:

ClinVar aggregate classification (germline): Uncertain significance (1 of 4 stars; one submission).

Conditions:
Hyperphosphatasia with impaired intellectual development syndrome 2. Also called: Hyperphosphatasia with intellectual disability syndrome 2; GLYCOSYLPHOSPHATIDYLINOSITOL BIOSYNTHESIS DEFECT 6. Identifiers: Orphanet 247262, MedGen C3553637, MONDO:0013882, OMIM 614749.

Submission:

Labcorp Genetics (formerly Invitae), Labcorp
Classification: Uncertain significance for Hyperphosphatasia with impaired intellectual development syndrome 2. Last evaluated: 2019-10-08. Review status: criteria provided, single submitter. Criteria: Invitae Variant Classification Sherloc (09022015). Collection method: clinical testing. Allele origin: germline.
Comment: This variant is not present in population databases (ExAC no frequency). This missense variant has been observed to segregate with clinical features of early infantile epileptic encephalopathy, developmental delay and near normal levels of alkaline phosphatase in a family (PMID:28900819). Algorithms developed to predict the effect of missense changes on protein structure and function are either unavailable or do not agree on the potential impact of this missense change (SIFT: "Tolerated"; PolyPhen-2: "Possibly Damaging"; Align-GVGD: "Class C0"). In summary, the available evidence is currently insufficient to determine the role of this variant in disease. Therefore, it has been classified as a Variant of Uncertain Significance. This sequence change replaces methionine with isoleucine at codon 255 of the PIGO protein (p.Met255Ile). The methionine residue is highly conserved and there is a small physicochemical difference between methionine and isoleucine.

Literature cited by the submitters: PubMed 28900819.

NM_032634.4(PIGO):c.765G>T (p.Met255Ile)

Gene: PIGO (phosphatidylinositol glycan anchor biosynthesis class O; minus strand). Cytogenetic location: 9p13.3.
Variant type: single nucleotide variant.
Coding change: c.765G>T on transcript NM_032634.4 (MANE Select); coding-DNA position 765, G replaced by T.
Protein change: p.Met255Ile; replaces methionine 255 with isoleucine.
Molecular consequence: missense variant.
Genome position (GRCh38, 1-based): chr9:35,093,915, C>A on the plus strand (G>T on the coding strand, the complement: PIGO is on the minus strand). VCF-style: chr9-35093915-C-A. GRCh37 (hg19) VCF-style: chr9-35093912-C-A.
Other names: c.765G>T, p.Met255Ile (NM_001201484.2, NM_152850.4); short protein forms M255I.
Identifiers: ClinVar variation 941356 (VCV000941356.8), dbSNP rs1829550863, ClinGen allele CA373323541.